The following is an entry in ClinVar:

ClinVar aggregate classification (germline): Uncertain significance (1 of 4 stars; one submission).

Conditions:
Saldino-Mainzer syndrome (SRTD9). Also called: CONORENAL SYNDROME; Renal dysplasia, retinal pigmentary dystrophy, cerebellar ataxia and skeletal dysplasia; SHORT-RIB THORACIC DYSPLASIA 9 WITHOUT POLYDACTYLY; short-rib thoracic dysplasia 9 with or without polydactyly. Identifiers: Orphanet 140969, MedGen C1849437, MONDO:0009964, OMIM 266920.

Submission:

Labcorp Genetics (formerly Invitae), Labcorp
Classification: Uncertain significance for Saldino-Mainzer syndrome. Last evaluated: 2025-12-10. Review status: criteria provided, single submitter. Criteria: Invitae Variant Classification Sherloc (09022015). Collection method: clinical testing. Allele origin: germline.
Comment: This sequence change replaces methionine, which is neutral and non-polar, with threonine, which is neutral and polar, at codon 1170 of the IFT140 protein (p.Met1170Thr). This variant is not present in population databases (gnomAD no frequency). This variant has not been reported in the literature in individuals affected with IFT140-related conditions. Invitae Evidence Modeling of protein sequence and biophysical properties (such as structural, functional, and spatial information, amino acid conservation, physicochemical variation, residue mobility, and thermodynamic stability) has been performed for this missense variant. However, the output from this modeling did not meet the statistical confidence thresholds required to predict the impact of this variant on IFT140 protein function. In summary, the available evidence is currently insufficient to determine the role of this variant in disease. Therefore, it has been classified as a Variant of Uncertain Significance.

NM_014714.4(IFT140):c.3509T>C (p.Met1170Thr)

Gene: IFT140 (intraflagellar transport 140; minus strand). Cytogenetic location: 16p13.3.
Variant type: single nucleotide variant.
Coding change: c.3509T>C on transcript NM_014714.4 (MANE Select); coding-DNA position 3509, T replaced by C.
Protein change: p.Met1170Thr; replaces methionine 1170 with threonine.
Molecular consequence: missense variant.
Genome position (GRCh38, 1-based): chr16:1,520,753, A>G on the plus strand (T>C on the coding strand, the complement: IFT140 is on the minus strand). VCF-style: chr16-1520753-A-G. GRCh37 (hg19) VCF-style: chr16-1570754-A-G.
Other names: short protein forms M1170T.
Identifiers: ClinVar variation 4768581 (VCV004768581.1).